The following is an entry in ClinVar:

NM_001369268.1(ACAN):c.4093G>A (p.Ala1365Thr)

Gene: ACAN (aggrecan; plus strand). Cytogenetic location: 15q26.1.
Variant type: single nucleotide variant.
Coding change: c.4093G>A on transcript NM_001369268.1 (MANE Select); coding-DNA position 4093, G replaced by A.
Protein change: p.Ala1365Thr; replaces alanine 1365 with threonine.
Molecular consequence: missense variant.
Genome position (GRCh38, 1-based): chr15:88,856,678, G>A. VCF-style: chr15-88856678-G-A. GRCh37 (hg19) VCF-style: chr15-89399909-G-A.
Other names: c.4093G>A, p.Ala1365Thr (NM_001411096.1, NM_001411097.1, NM_013227.4 and 1 more transcripts); short protein forms A1365T.
Identifiers: ClinVar variation 4853010 (VCV004853010.1).

ClinVar aggregate classification (germline): Uncertain significance (1 of 4 stars; one submission).

Submission:

Women's Health and Genetics/Laboratory Corporation of America, LabCorp
Classification: Uncertain significance. Last evaluated: 2026-05-18. Review status: criteria provided, single submitter. Criteria: LabCorp Variant Classification Summary - May 2015. Collection method: clinical testing. Allele origin: germline.
Comment: Variant summary: ACAN c.4093G>A (p.Ala1365Thr) results in a non-conservative amino acid change in the encoded protein sequence. Algorithms developed to predict the effect of missense changes on protein structure and function are either unavailable or do not agree on the potential impact of this missense change. The frequency data for this variant in gnomAD is considered unreliable, as metrics indicate poor data quality at this position. To our knowledge, no occurrence of c.4093G>A in individuals affected with ACAN-related conditions and no experimental evidence demonstrating its impact on protein function have been reported. No submitters have cited clinical-significance assessments for this variant to ClinVar. Based on the evidence outlined above, the variant was classified as uncertain significance.